The following is an entry in ClinVar:

NM_005732.4(RAD50):c.3164+9T>C

Gene: RAD50 (RAD50 double strand break repair protein; plus strand). Cytogenetic location: 5q31.1.
Variant type: single nucleotide variant.
Coding change: c.3164+9T>C on transcript NM_005732.4 (MANE Select); 9 bases into the intron after coding-DNA position 3164, T replaced by C.
Molecular consequence: intron variant.
Genome position (GRCh38, 1-based): chr5:132,616,139, T>C. VCF-style: chr5-132616139-T-C. GRCh37 (hg19) VCF-style: chr5-131951831-T-C.
Other names: c.3164+9T>C (NM_005732.3).
Identifiers: ClinVar variation 1158692 (VCV001158692.11), dbSNP rs1159952143, ClinGen allele CA562777389.

ClinVar aggregate classification (germline): Likely benign. Review status: criteria provided, single submitter (1 of 4 stars). 2 submissions from 2 submitters: Likely benign (1). 1 of the submissions does not count toward it. Last evaluated 2023-09-30.

Conditions:
Hereditary cancer-predisposing syndrome. Also called: Tumor predisposition; Neoplastic Syndromes, Hereditary; Hereditary Cancer Syndrome; Hereditary neoplastic syndrome. Identifiers: Orphanet 140162, MedGen C0027672, MeSH D009386, MONDO:0015356.
RAD50-related disorder. Also called: RAD50-related condition.

Allele frequency attached by ClinVar (database versions not stated): gnomAD exomes below 0.00001.
gnomAD v4.1: 2 of 1,610,468 alleles (0.00012%); highest among the groups gnomAD compares: Non-Finnish European, 0.000085%; no homozygotes.

Submissions (2):

Labcorp Genetics (formerly Invitae), Labcorp
Classification: Likely benign for Hereditary cancer-predisposing syndrome. Last evaluated: 2023-09-30. Review status: criteria provided, single submitter. Criteria: Invitae Variant Classification Sherloc (09022015). Collection method: clinical testing. Allele origin: germline.

PreventionGenetics, part of Exact Sciences
Classification: Likely benign for RAD50-related condition. Last evaluated: 2021-05-19. Review status: no assertion criteria provided. Collection method: clinical testing. Allele origin: germline. Not counted in ClinVar's aggregate classification.
Comment: This variant is classified as likely benign based on ACMG/AMP sequence variant interpretation guidelines (Richards et al. 2015 PMID: 25741868, with internal and published modifications).